The following is an entry in ClinVar:

ClinVar aggregate classification (germline): Uncertain significance. Review status: criteria provided, multiple submitters, no conflicts (2 of 4 stars). 3 submissions from 3 submitters: Uncertain significance (3). Last evaluated 2025-12-22.

Conditions:
Arrhythmogenic cardiomyopathy with wooly hair and keratoderma. Also called: PALMOPLANTAR KERATODERMA WITH LEFT VENTRICULAR CARDIOMYOPATHY AND WOOLLY HAIR; Carvajal syndrome; Dilated cardiomyopathy with woolly hair and keratoderma; Arrhythmogenic cardiomyopathy with woolly hair and keratoderma. Identifiers: Orphanet 65282, MedGen C1854063, MONDO:0011581, OMIM 605676.
Arrhythmogenic right ventricular dysplasia 8 (ARVD8). Also called: ARRHYTHMOGENIC RIGHT VENTRICULAR DYSPLASIA, FAMILIAL, 8; ARRHYTHMOGENIC RIGHT VENTRICULAR CARDIOMYOPATHY 8; Arrhythmogenic Right Ventricular Dysplasia/Cardiomyopathy 8. Identifiers: MedGen C1843896, MONDO:0011831, OMIM 607450.
Cardiomyopathy (CMYO). Also called: Cardiomyopathies. Identifiers: Orphanet 167848, MedGen C0878544, MONDO:0004994, HP:0001638. Inheritance: Various modes of inheritance.

Allele frequency attached by ClinVar (database versions not stated): gnomAD exomes below 0.00001.
gnomAD v4.1: 2 of 1,614,124 alleles (0.00012%); highest among the groups gnomAD compares: Non-Finnish European, 0.00017%; no homozygotes.

Submissions (3):

Labcorp Genetics (formerly Invitae), Labcorp
Classification: Uncertain significance for Arrhythmogenic cardiomyopathy with wooly hair and keratoderma; Arrhythmogenic right ventricular dysplasia 8. Last evaluated: 2025-12-22. Review status: criteria provided, single submitter. Criteria: Invitae Variant Classification Sherloc (09022015). Collection method: clinical testing. Allele origin: germline.
Comment: This sequence change replaces glutamic acid, which is acidic and polar, with lysine, which is basic and polar, at codon 2360 of the DSP protein (p.Glu2360Lys). This variant is not present in population databases (gnomAD no frequency). This variant has not been reported in the literature in individuals affected with DSP-related conditions. ClinVar contains an entry for this variant (Variation ID: 3071384). An algorithm developed to predict the effect of missense changes on protein structure and function (PolyPhen-2) suggests that this variant is likely to be disruptive. In summary, the available evidence is currently insufficient to determine the role of this variant in disease. Therefore, it has been classified as a Variant of Uncertain Significance.

Color Diagnostics, LLC DBA Color Health
Classification: Uncertain significance for Cardiomyopathy. Last evaluated: 2025-05-30. Review status: criteria provided, single submitter. Criteria: ACMG Guidelines, 2015. Collection method: clinical testing. Allele origin: germline.
Comment: This missense variant replaces glutamic acid with lysine at codon 2360 of the DSP protein. Computational prediction suggests that this variant may not impact protein structure and function. To our knowledge, functional studies have not been reported for this variant. This variant has not been reported in individuals affected with DSP-related disorders in the literature. This variant has not been identified in the general population by the Genome Aggregation Database (gnomAD). The available evidence is insufficient to determine the role of this variant in disease conclusively. Therefore, this variant is classified as a Variant of Uncertain Significance.

All of Us Research Program, National Institutes of Health
Classification: Uncertain significance for Arrhythmogenic cardiomyopathy with wooly hair and keratoderma. Last evaluated: 2023-05-31. Review status: criteria provided, single submitter. Criteria: ACMG Guidelines, 2015. Collection method: clinical testing. Allele origin: germline. Inheritance: Autosomal dominant inheritance. Observed: 1 variant allele, 1 heterozygote.
Comment: This study involves interpretation of variants in research participants for the purpose of population health screening. Participant phenotype was not available at the time of variant classification. Additional details can be found in publication PMID: 35346344, PMCID: PMC8962531

NM_004415.4(DSP):c.7078G>A (p.Glu2360Lys)

Gene: DSP (desmoplakin; plus strand). Cytogenetic location: 6p24.3.
Variant type: single nucleotide variant.
Coding change: c.7078G>A on transcript NM_004415.4 (MANE Select); coding-DNA position 7078, G replaced by A.
Protein change: p.Glu2360Lys; replaces glutamic acid 2360 with lysine.
Molecular consequence: missense variant.
Genome position (GRCh38, 1-based): chr6:7,584,340, G>A. VCF-style: chr6-7584340-G-A. GRCh37 (hg19) VCF-style: chr6-7584573-G-A.
Other names: c.5749G>A, p.Glu1917Lys (NM_001319034.2); c.5281G>A, p.Glu1761Lys (NM_001008844.3); short protein forms E1761K, E1917K, E2360K.
Identifiers: ClinVar variation 3071384 (VCV003071384.4), dbSNP rs2533943805, ClinGen allele CA362692184.
Genomic context (GRCh38, chr6:7,584,340, plus strand): 5'-AATGATCCTGAAACAGGAAACATCATCTCTTTGTTCCAAGCCATGAATAAGGAACTCATC[G>A]AAAAGGGCCACGGTATTCGCTTATTAGAAGCACAGATCGCAACCGGGGGGATCATTGACC-3'
Protein context (NP_004406.2, residues 2350-2370): LFQAMNKELI[Glu2360Lys]KGHGIRLLEA